The following is an entry in ClinVar:

NM_015158.5(KANK1):c.1895A>G (p.Asp632Gly)

Gene: KANK1 (KN motif and ankyrin repeat domains 1; plus strand). Cytogenetic location: 9p24.3.
Variant type: single nucleotide variant.
Coding change: c.1895A>G on transcript NM_015158.5 (MANE Select); coding-DNA position 1895, A replaced by G.
Protein change: p.Asp632Gly; replaces aspartic acid 632 with glycine.
Molecular consequence: missense variant. On other transcripts: non-coding transcript variant (1).
Genome position (GRCh38, 1-based): chr9:712,661, A>G. VCF-style: chr9-712661-A-G. GRCh37 (hg19) VCF-style: chr9-712661-A-G.
Other names: c.1895A>G, p.Asp632Gly (NM_001354331.2, NM_001354332.2, NM_001354334.2 and 2 more transcripts); c.1421A>G, p.Asp474Gly (NM_001354333.2, NM_001354335.2, NM_001354336.2 and 9 more transcripts); short protein forms D474G, D632G.
Identifiers: ClinVar variation 1720880 (VCV001720880.5), dbSNP rs779191636, ClinGen allele CA4960356.

ClinVar aggregate classification (germline): Uncertain significance (1 of 4 stars; one submission).

Allele frequency attached by ClinVar (database versions not stated): gnomAD exomes 0.00001; ExAC 0.00004.
gnomAD v4.1: 15 of 1,613,956 alleles (0.00093%); highest among the groups gnomAD compares: South Asian, 0.016%; no homozygotes.

Submission:

Labcorp Genetics (formerly Invitae), Labcorp
Classification: Uncertain significance. Last evaluated: 2022-10-03. Review status: criteria provided, single submitter. Criteria: Invitae Variant Classification Sherloc (09022015). Collection method: clinical testing. Allele origin: germline.
Comment: In summary, the available evidence is currently insufficient to determine the role of this variant in disease. Therefore, it has been classified as a Variant of Uncertain Significance. Advanced modeling of protein sequence and biophysical properties (such as structural, functional, and spatial information, amino acid conservation, physicochemical variation, residue mobility, and thermodynamic stability) performed at Invitae indicates that this missense variant is expected to disrupt KANK1 protein function. This variant has not been reported in the literature in individuals affected with KANK1-related conditions. This variant is present in population databases (rs779191636, gnomAD 0.02%). This sequence change replaces aspartic acid, which is acidic and polar, with glycine, which is neutral and non-polar, at codon 632 of the KANK1 protein (p.Asp632Gly).